The following is an entry in ClinVar:

NM_001130438.3(SPTAN1):c.7309-12_7309-11del

Gene: SPTAN1 (spectrin alpha, non-erythrocytic 1; plus strand). Cytogenetic location: 9q34.11.
Variant type: Microsatellite.
Coding change: c.7309-12_7309-11del on transcript NM_001130438.3 (MANE Select); 12 bases into the intron before coding-DNA position 7309 through 11 bases into the intron before coding-DNA position 7309, 2 bases deleted (CT; older notation c.7309-12_7309-11delCT).
Molecular consequence: intron variant.
Genome position (GRCh38, 1-based): chr9:128,633,197-128,633,198, CT deleted; deleting any 2 consecutive bases within chr9:128,633,194-128,633,198 gives the same sequence; the c. name uses the placement nearest the transcript's 3' end. VCF-style (leftmost placement, unchanged base first): chr9-128633193-ATC-A. GRCh37 (hg19) VCF-style: chr9-131395472-ATC-A.
Other names: NC_000009.11:g.131395476_131395477del; c.7309-12_7309-11delCT (NM_001130438.2); c.7408-12_7408-11del (NM_001375318.1); c.7345-12_7345-11del (NM_001375312.2); c.7309-12_7309-11del (NM_001375311.2); c.7249-12_7249-11del (NM_001375314.2, NM_001363765.2); c.7396-12_7396-11del (NM_001375310.1); c.7372-12_7372-11del (NM_001363759.2); and 4 more.
Identifiers: ClinVar variation 207309 (VCV000207309.47), dbSNP rs770948927, ClinGen allele CA318651.
Genomic context (GRCh38, chr9:128,633,193, plus strand): 5'-ATCCTGAGACCTGGGAGGTCGGGTTTGAAGTGGGTGCAGCTGGCTCAGGCACCAGGTGCC[ATC>A]TCTTACCCCACAGAACCTGACCCGGGAACAAGCCGACTACTGCGTCTCCCACATGAAGCC-3'

ClinVar aggregate classification (germline): Benign/Likely benign. Review status: criteria provided, multiple submitters, no conflicts (2 of 4 stars). 7 submissions from 6 submitters: Benign (4); Likely benign (2). 1 of the submissions does not count toward it. Last evaluated 2026-08-01.

Conditions:
Early-infantile DEE. Also called: Ohtahara syndrome; Early infantile epileptic encephalopathy with suppression bursts; Early infantile epileptic encephalopathy. Identifiers: Orphanet 1934, MedGen C0393706, MONDO:0800491.
Developmental and epileptic encephalopathy, 5 (DEE5). Identifiers: Orphanet 3451, MedGen C3150731, MONDO:0013277, OMIM 613477.

Submissions (8):

CeGaT Center for Human Genetics Tuebingen
Classification: Likely benign. Last evaluated: 2026-08-01. Review status: criteria provided, single submitter. Criteria: CeGaT Center For Human Genetics Tuebingen Variant Classification Criteria Version 2. Collection method: clinical testing. Allele origin: germline. Affected: yes. Observed: 23 variant alleles.
Comment: SPTAN1: BP4

Labcorp Genetics (formerly Invitae), Labcorp
Classification: Benign for Early-infantile DEE. Last evaluated: 2026-01-12. Review status: criteria provided, single submitter. Criteria: Invitae Variant Classification Sherloc (09022015). Collection method: clinical testing. Allele origin: germline.

ARUP Laboratories, Molecular Genetics and Genomics, ARUP Laboratories
Classification: Benign. Last evaluated: 2025-03-31. Review status: criteria provided, single submitter. Criteria: ARUP Molecular Germline Variant Investigation Process 2024. Collection method: clinical testing. Allele origin: germline.

Blueprint Genetics
Classification: Likely benign. Last evaluated: 2024-11-15. Review status: criteria provided, single submitter. Criteria: ACMG Guidelines, 2015. Collection method: clinical testing. Allele origin: germline.

Genome-Nilou Lab
Classification: Benign for Developmental and epileptic encephalopathy, 5. Last evaluated: 2021-07-15. Review status: criteria provided, single submitter. Criteria: ACMG Guidelines, 2015. Collection method: clinical testing. Allele origin: germline. Affected: no.

GeneDx
Classification: Benign. Last evaluated: 2014-02-28. Review status: criteria provided, single submitter. Criteria: GeneDx Variant Classification (06012015). Collection method: clinical testing. Allele origin: germline. Affected: yes.
Comment: The variant is found in INFANT-EPI,EPILEPSY panel(s).

Dr. Peter K. Rogan Lab, Western University
No classification provided (evidence only). Condition: Malignant tumor of esophagus. Review status: no classification provided. Collection method: in vitro. Allele origin: not applicable. Functional consequence: retained intron. Not counted in ClinVar's aggregate classification.

GeneDx
Classification: Benign. Last evaluated: 2013-10-03. Review status: flagged submission. Criteria: GeneDx Variant Classification (06012015). Collection method: clinical testing. Allele origin: germline. Affected: yes. Not counted in ClinVar's aggregate classification.
Comment: The variant is found in EPILEPSY panel(s).
ClinVar note: Reason: This record appears to be redundant with a more recent record from the same submitter.
ClinVar note: Notes: SCV000243123 appears to be redundant with SCV000243124.